The following is an entry in ClinVar:

NM_018706.7(DHTKD1):c.1409del (p.Gly470fs)

Gene: DHTKD1 (dehydrogenase E1 and transketolase domain containing 1; plus strand). Cytogenetic location: 10p14.
Variant type: Deletion.
Coding change: c.1409del on transcript NM_018706.7 (MANE Select); coding-DNA position 1409, one base deleted (G; older notation c.1409delG).
Protein change: p.Gly470fs; shifts the reading frame from glycine 470.
Molecular consequence: frameshift variant.
Genome position (GRCh38, 1-based): chr10:12,097,734, G deleted; the last of 2 consecutive G bases (chr10:12,097,733-12,097,734); deleting either gives the same sequence. VCF-style (leftmost placement, unchanged base first): chr10-12097732-CG-C. GRCh37 (hg19) VCF-style: chr10-12139731-CG-C.
Other names: short protein forms G470fs.
Identifiers: ClinVar variation 1339491 (VCV001339491.9), dbSNP rs1281526839, ClinGen allele CA660770951.
Genomic context (GRCh38, chr10:12,097,732, plus strand): 5'-TTTCTTGGGCAGAGCTCGAAAGAGCATTCCAGACACATATGCAGAGCACCTCATTGCTGG[CG>C]GACTCATGACGCAGGAGGAGGTGTCTGAAATAAAATCCTCCTACTATGCCAAGTTGAATG-3'

ClinVar aggregate classification (germline): Pathogenic/Likely pathogenic. Review status: criteria provided, multiple submitters, no conflicts (2 of 4 stars). 2 submissions from 2 submitters: Pathogenic (1); Likely pathogenic (1). Last evaluated 2022-02-05.

Conditions:
2-aminoadipic 2-oxoadipic aciduria (AAKAD). Also called: ALPHA-AMINOADIPIC AND ALPHA-KETOADIPIC ACIDURIA; Aminoadipic aciduria. Identifiers: Orphanet 79154, MedGen C1859817, MONDO:0008774, OMIM 204750.
Charcot-Marie-Tooth disease axonal type 2Q. Also called: CHARCOT-MARIE-TOOTH NEUROPATHY, TYPE 2Q; CHARCOT-MARIE-TOOTH DISEASE, AXONAL, AUTOSOMAL DOMINANT, TYPE 2Q. Identifiers: Orphanet 329258, MedGen C3554366, MONDO:0014012, OMIM 615025.

Submissions (2):

Dasa
Classification: Likely pathogenic for Charcot-Marie-Tooth disease axonal type 2Q. Last evaluated: 2022-02-05. Review status: criteria provided, single submitter. Criteria: ACMG Guidelines, 2015. Collection method: clinical testing. Allele origin: germline. Affected: yes. Observed: 1 variant allele.
Comment: The c.1409del;p.(Gly470Aspfs*3) is a null frameshift variant (NMD) in the DHTKD1 gene and predicts alteration of the nonsense-mediate decay - NMD is present in a relevant exon to the transcript - PVS1. This variant is not present in population databases (rs1281526839, gnomAD; ABraOM no frequency) - PM2. In summary, the currently available evidence indicates that the variant is likely pathogenic.

Labcorp Genetics (formerly Invitae), Labcorp
Classification: Pathogenic for 2-aminoadipic 2-oxoadipic aciduria. Last evaluated: 2021-11-26. Review status: criteria provided, single submitter. Criteria: Invitae Variant Classification Sherloc (09022015). Collection method: clinical testing. Allele origin: germline.
Comment: This sequence change creates a premature translational stop signal (p.Gly470Aspfs*3) in the DHTKD1 gene. It is expected to result in an absent or disrupted protein product. Loss-of-function variants in DHTKD1 are known to be pathogenic (PMID: 23141293, 25860818). This variant is not present in population databases (gnomAD no frequency). This variant has not been reported in the literature in individuals affected with DHTKD1-related conditions. For these reasons, this variant has been classified as Pathogenic.

Literature cited by the submitters: PubMed 23141293 (cited by Labcorp Genetics (formerly Invitae), Labcorp); PubMed 25860818 (cited by Labcorp Genetics (formerly Invitae), Labcorp).